The following is an entry in ClinVar:

ClinVar aggregate classification (germline): Conflicting classifications of pathogenicity. Review status: no assertion criteria provided (0 of 4 stars). 2 submissions from 2 submitters: Pathogenic (1); Uncertain significance (1). Last evaluated 2018-11-12.

Conditions:
Complex cortical dysplasia with other brain malformations 7. Identifiers: Orphanet 300573, MedGen C3552236, MONDO:0012399, OMIM 610031.

Submissions (2):

Foundation for Research in Genetics and Endocrinology, FRIGE's Institute of Human Genetics
Classification: Uncertain significance for Complex cortical dysplasia with other brain malformations 7. Last evaluated: 2018-11-12. Review status: no assertion criteria provided. Collection method: clinical testing. Allele origin: germline. Inheritance: Autosomal dominant inheritance. Affected: yes. Observed: 1 heterozygote.
Comment: The observed variant c.767A>G (p.Asn256Ser) has not been reported in 1000 Genomes and ExAC databases. The in silico prediction of the given variant is possibly damaging by PolyPhen-2 and damaging by MutationTaster2, SIFT and LRT.

OMIM
Classification: Pathogenic for CORTICAL DYSPLASIA, COMPLEX, WITH OTHER BRAIN MALFORMATIONS 7. Last evaluated: 2012-09-01. Review status: no assertion criteria provided. Collection method: literature only. Allele origin: germline.

Literature cited by the submitters: PubMed 22333901 (cited by OMIM).

NM_178012.5(TUBB2B):c.767A>G (p.Asn256Ser)

Gene: TUBB2B (tubulin beta 2B class IIb; minus strand). Cytogenetic location: 6p25.2.
Variant type: single nucleotide variant.
Coding change: c.767A>G on transcript NM_178012.5 (MANE Select); coding-DNA position 767, A replaced by G.
Protein change: p.Asn256Ser; replaces asparagine 256 with serine.
Molecular consequence: missense variant.
Genome position (GRCh38, 1-based): chr6:3,225,322, T>C on the plus strand (A>G on the coding strand, the complement: TUBB2B is on the minus strand). VCF-style: chr6-3225322-T-C. GRCh37 (hg19) VCF-style: chr6-3225556-T-C.
Other names: short protein forms N256S.
Identifiers: ClinVar variation 39721 (VCV000039721.3), dbSNP rs397514568, ClinGen allele CA250740.